The following is an entry in ClinVar:

NM_057088.3(KRT3):c.1630G>A (p.Gly544Arg)

Gene: KRT3 (keratin 3; minus strand). Cytogenetic location: 12q13.13.
Variant type: single nucleotide variant.
Coding change: c.1630G>A on transcript NM_057088.3 (MANE Select); coding-DNA position 1630, G replaced by A.
Protein change: p.Gly544Arg; replaces glycine 544 with arginine.
Molecular consequence: missense variant.
Genome position (GRCh38, 1-based): chr12:52,790,299, C>T on the plus strand (G>A on the coding strand, the complement: KRT3 is on the minus strand). VCF-style: chr12-52790299-C-T. GRCh37 (hg19) VCF-style: chr12-53184083-C-T.
Other names: short protein forms G544R.
Identifiers: ClinVar variation 4094848 (VCV004094848.2).
Genomic context (GRCh38, chr12:52,790,299, plus strand): 5'-AGCCACTGCCTGAGCCGCCGCCCGCACTGAAGCCACCTCCTAAACCACCGCCCATGCCTC[C>T]GCCGTAACCTCCTCCATAGCCACCTGCGGAGGCGGAAGTCGTGCTGCTGCTGACCACGGC-3'
Protein context (NP_476429.2, residues 534-554): SAGGYGGGYG[Gly544Arg]GMGGGLGGGF

ClinVar aggregate classification (germline): Uncertain significance. Review status: criteria provided, multiple submitters, no conflicts (2 of 4 stars). 2 submissions from 2 submitters: Uncertain significance (2). Last evaluated 2025-08-05.

gnomAD v4.1: 69 of 1,567,052 alleles (0.0044%); highest among the groups gnomAD compares: Admixed American, 0.088%; no homozygotes.

Submissions (2):

Ambry Genetics
Classification: Uncertain significance. Last evaluated: 2025-08-05. Review status: criteria provided, single submitter. Criteria: Ambry Variant Classification Scheme 2023. Collection method: clinical testing. Allele origin: germline.

Labcorp Genetics (formerly Invitae), Labcorp
Classification: Uncertain significance. Last evaluated: 2025-04-30. Review status: criteria provided, single submitter. Criteria: Invitae Variant Classification Sherloc (09022015). Collection method: clinical testing. Allele origin: germline.
Comment: This sequence change replaces glycine, which is neutral and non-polar, with arginine, which is basic and polar, at codon 544 of the KRT3 protein (p.Gly544Arg). This variant is present in population databases (rs184297044, gnomAD 0.02%). This variant has not been reported in the literature in individuals affected with KRT3-related conditions. Invitae Evidence Modeling of protein sequence and biophysical properties (such as structural, functional, and spatial information, amino acid conservation, physicochemical variation, residue mobility, and thermodynamic stability) indicates that this missense variant is not expected to disrupt KRT3 protein function with a negative predictive value of 80%. In summary, the available evidence is currently insufficient to determine the role of this variant in disease. Therefore, it has been classified as a Variant of Uncertain Significance.